The following is an entry in ClinVar:

ClinVar aggregate classification (germline): Pathogenic (1 of 4 stars; one submission).

Conditions:
Ataxia-telangiectasia syndrome (AT). Also called: Cerebello-oculocutaneous telangiectasia; Immunodeficiency with ataxia telangiectasia; AT, COMPLEMENTATION GROUP C; Ataxia-telangiectasia; Ataxia-telangiectasia, complementation group E; Ataxia telangiectasia (A-T). Identifiers: Orphanet 100, MedGen C0004135, MONDO:0008840, OMIM 208900.

Submission:

Labcorp Genetics (formerly Invitae), Labcorp
Classification: Pathogenic for Ataxia-telangiectasia syndrome. Last evaluated: 2022-01-05. Review status: criteria provided, single submitter. Criteria: Invitae Variant Classification Sherloc (09022015). Collection method: clinical testing. Allele origin: germline.
Comment: For these reasons, this variant has been classified as Pathogenic. This variant has not been reported in the literature in individuals affected with ATM-related conditions. This variant is not present in population databases (gnomAD no frequency). This sequence change creates a premature translational stop signal (p.Leu928*) in the ATM gene. It is expected to result in an absent or disrupted protein product. Loss-of-function variants in ATM are known to be pathogenic (PMID: 23807571, 25614872).

Literature cited by the submitters: PubMed 23807571; PubMed 25614872.

NM_000051.4(ATM):c.2783del (p.Leu927_Leu928insTer)

Gene: ATM (ATM serine/threonine kinase; plus strand). Cytogenetic location: 11q22.3.
Variant type: Deletion.
Coding change: c.2783del on transcript NM_000051.4 (MANE Select); coding-DNA position 2783, one base deleted (T; older notation c.2783delT).
Protein change: p.Leu927_Leu928insTer.
Molecular consequence: nonsense.
Genome position (GRCh38, 1-based): chr11:108,268,554, T deleted; the last of 2 consecutive T bases (chr11:108,268,553-108,268,554); deleting either gives the same sequence. VCF-style (leftmost placement, unchanged base first): chr11-108268552-GT-G. GRCh37 (hg19) VCF-style: chr11-108139279-GT-G.
Other names: c.2783del, p.Leu927_Leu928insTer (NM_001351834.2).
Identifiers: ClinVar variation 2075856 (VCV002075856.4), dbSNP rs2497637456, ClinGen allele CA2580083171.